The following is an entry in ClinVar:

ClinVar aggregate classification (germline): Conflicting classifications of pathogenicity. Review status: criteria provided, conflicting classifications (1 of 4 stars). 3 submissions from 3 submitters: Pathogenic (1); Uncertain significance (1). 1 of the submissions does not count toward it. Last evaluated 2025-05-01.

Conditions:
Infantile neuroaxonal dystrophy (NBIA2A). Also called: NEURODEGENERATION WITH BRAIN IRON ACCUMULATION 2A; SEITELBERGER DISEASE; Infantile neuroaxonal dystrophy 1. Identifiers: Orphanet 35069, MedGen C0270724, MONDO:0024457, OMIM 256600.
PLA2G6-related disorder. Also called: PLA2G6-related condition.

Submissions (3):

GeneDx
Classification: Pathogenic. Last evaluated: 2025-05-01. Review status: criteria provided, single submitter. Criteria: GeneDx Variant Classification Process June 2021. Collection method: clinical testing. Allele origin: germline. Affected: yes.
Comment: Not observed at significant frequency in large population cohorts (gnomAD); In-frame deletion of 1 amino acid in a non-repeat region; In silico analysis supports a deleterious effect on protein structure/function; This variant is associated with the following publications: (PMID: 34440436)

Labcorp Genetics (formerly Invitae), Labcorp
Classification: Uncertain significance for Infantile neuroaxonal dystrophy. Last evaluated: 2023-04-25. Review status: criteria provided, single submitter. Criteria: Invitae Variant Classification Sherloc (09022015). Collection method: clinical testing. Allele origin: germline.
Comment: In summary, the available evidence is currently insufficient to determine the role of this variant in disease. Therefore, it has been classified as a Variant of Uncertain Significance. Experimental studies and prediction algorithms are not available or were not evaluated, and the functional significance of this variant is currently unknown. This variant has been observed in individual(s) with PLA2G6-related conditions (PMID: 34440436). This variant is not present in population databases (gnomAD no frequency). This variant, c.1460_1462del, results in the deletion of 1 amino acid(s) of the PLA2G6 protein (p.Gly487del), but otherwise preserves the integrity of the reading frame.

PreventionGenetics, part of Exact Sciences
Classification: Likely pathogenic for PLA2G6-related condition. Last evaluated: 2024-02-15. Review status: no assertion criteria provided. Collection method: clinical testing. Allele origin: germline. Not counted in ClinVar's aggregate classification.
Comment: The PLA2G6 c.1460_1462delGAG variant is predicted to result in an in-frame deletion (p.Gly487del). This variant was reported in the homozygous state in a patient with features consistent with autosomal recessive neurodegeneration with brain iron accumulation 2B (Table S4, Barbosa-Gouveia et al. 2021. PubMed ID: 34440436). This variant has not been reported in a large population database, indicating this variant is rare. This variant is interpreted as likely pathogenic.

Literature cited by the submitters: PubMed 34440436 (cited by Labcorp Genetics (formerly Invitae), Labcorp).

NM_003560.4(PLA2G6):c.1454GAG[2] (p.Gly487del)

Gene: PLA2G6 (phospholipase A2 group VI; minus strand). Cytogenetic location: 22q13.1.
Variant type: Microsatellite.
Coding change: c.1454GAG[2] on transcript NM_003560.4 (MANE Select); two copies in a row of the 3-base unit GAG starting at c.1454; the reference has three copies in a row; one copy, 3 bases deleted; also written c.1460_1462del.
Protein change: p.Gly487del; deletes glycine 487.
Molecular consequence: inframe deletion.
Genome position (GRCh38, 1-based): chr22:38,123,224-38,123,226, CTC deleted on the plus strand (GAG on the coding strand, the reverse complement: PLA2G6 is on the minus strand); deleting any 3 consecutive bases within chr22:38,123,224-38,123,233 gives the same sequence; the position shown is the placement nearest the transcript's 3' end. VCF-style (leftmost placement, unchanged base first): chr22-38123223-ACTC-A. GRCh37 (hg19) VCF-style: chr22-38519230-ACTC-A.
Other names: c.1460_1462delGAG (NM_003560.2); c.1460_1462del (NM_003560.2); c.1292GAG[2], p.Gly433del (NM_001004426.3, NM_001199562.3, NM_001349865.2 and 1 more transcripts); c.1454GAG[2], p.Gly487del (NM_001349864.2); c.920GAG[2], p.Gly309del (NM_001349867.2); c.776GAG[2], p.Gly261del (NM_001349868.2); c.758GAG[2], p.Gly255del (NM_001349869.2); short protein forms G433del, G255del, G309del, G487del, G261del.
Identifiers: ClinVar variation 2869885 (VCV002869885.6), dbSNP rs2087627455, ClinGen allele CA1025607423.